The following is an entry in ClinVar:

NM_206933.4(USH2A):c.5776G>A (p.Glu1926Lys)

Genes: USH2A (usherin; minus strand), USH2A-AS2 (USH2A antisense RNA 2; plus strand). Cytogenetic location: 1q41.
Variant type: single nucleotide variant.
Coding change: c.5776G>A on transcript NM_206933.4 (MANE Select); coding-DNA position 5776, G replaced by A.
Protein change: p.Glu1926Lys; replaces glutamic acid 1926 with lysine.
Molecular consequence: missense variant.
Genome position (GRCh38, 1-based): chr1:216,073,097, C>T on the plus strand (G>A on the coding strand, the complement: USH2A is on the minus strand). VCF-style: chr1-216073097-C-T. GRCh37 (hg19) VCF-style: chr1-216246439-C-T.
Other names: short protein forms E1926K.
Identifiers: ClinVar variation 2734089 (VCV002734089.5), dbSNP rs1404685640, ClinGen allele CA344853967.
Genomic context (GRCh38, chr1:216,073,097, plus strand): 5'-GAGGGAAAGGGGGATGAATAAGAGACATGTAACATTTAATTTAGAGGACCTCCACATTAC[C>T]TGTAAAAGGCTGGAGACCACCCTCGTAAACACTCTGCTCTTTTCCCTGGTAAACCAGGAT-3'
Protein context (NP_996816.3, residues 1916-1936): VYEGGLQPFT[Glu1926Lys]YLYRVIASHE

ClinVar aggregate classification (germline): Pathogenic/Likely pathogenic. Review status: criteria provided, multiple submitters, no conflicts (2 of 4 stars). 3 submissions from 3 submitters: Pathogenic (1); Likely pathogenic (2). Last evaluated 2025-03-10.

Conditions:
Usher syndrome type 2A. Also called: RETINAL DISEASE IN USHER SYNDROME TYPE IIA, MODIFIER OF; USHER SYNDROME, TYPE IIA. Identifiers: Orphanet 231178, Orphanet 886, MedGen C1848634, MONDO:0010169, OMIM 276901.
Retinitis pigmentosa 39 (RP39). Identifiers: Orphanet 791, MedGen C3151138, MONDO:0013436, OMIM 613809.

Allele frequency attached by ClinVar (database versions not stated): gnomAD exomes below 0.00001.
gnomAD v4.1: 5 of 1,613,758 alleles (0.00031%); highest among the groups gnomAD compares: Non-Finnish European, 0.00042%; no homozygotes.

Submissions (3):

3billion
Classification: Likely pathogenic for Retinitis pigmentosa 39. Last evaluated: 2025-03-10. Review status: criteria provided, single submitter. Criteria: ACMG Guidelines, 2015. Collection method: clinical testing. Allele origin: germline. Affected: yes.
Comment: The variant is observed at an extremely low frequency in the gnomAD v4.1.0 dataset (total allele frequency: <0.001%). Predicted Consequence/Location: Missense variant. The majority of the known disease-causing variants of this gene are variants expected to result in premature termination of the protein. In silico tools predict the variant to alter splicing and produce an abnormal transcript [SpliceAI: 0.49 (>=0.2, moderate evidence for spliceogenicity)]. The same nucleotide change resulting in the same amino acid change has been previously reported as pathogenic/likely pathogenic with strong evidence (ClinVar ID: VCV002734089 / PMID: 25649381). The variant has been reported to be in trans with a pathogenic variant as either compound heterozygous or homozygous in at least one similarly affected unrelated individual (PMID: 25649381). Therefore, this variant is classified as Likely pathogenic according to the recommendation of ACMG/AMP guideline.

Fulgent Genetics
Classification: Likely pathogenic for Usher syndrome type 2A; Retinitis pigmentosa 39. Last evaluated: 2024-06-05. Review status: criteria provided, single submitter. Criteria: ACMG Guidelines, 2015. Collection method: clinical testing. Allele origin: germline.

Labcorp Genetics (formerly Invitae), Labcorp
Classification: Pathogenic. Last evaluated: 2023-11-06. Review status: criteria provided, single submitter. Criteria: Invitae Variant Classification Sherloc (09022015). Collection method: clinical testing. Allele origin: germline.
Comment: This sequence change affects codon 1926 of the USH2A mRNA. It is a 'silent' change, meaning that it does not change the encoded amino acid sequence of the USH2A protein. RNA analysis indicates that this variant induces altered splicing and likely results in a shortened protein product. This variant is present in population databases (no rsID available, gnomAD 0.0009%). This variant has been observed in individuals with retinitis pigmentosa (PMID: 25649381). An algorithm developed to predict the effect of missense changes on protein structure and function (PolyPhen-2) suggests that this variant is likely to be disruptive. Variants that disrupt the consensus splice site are a relatively common cause of aberrant splicing (PMID: 17576681, 9536098). Studies have shown that this variant results in skipping of exon 28, but is expected to preserve the integrity of the reading-frame (PMID: 36362125). This variant disrupts a region of the USH2A protein in which other variant(s) (p.Phe1868Cys) have been determined to be pathogenic (PMID: 22135276, 28041643, 29142287). This suggests that this is a clinically significant region of the protein, and that variants that disrupt it are likely to be disease-causing. For these reasons, this variant has been classified as Pathogenic.

Literature cited by the submitters: PubMed 25649381 (cited by 3billion and Labcorp Genetics (formerly Invitae), Labcorp); PubMed 17576681 (cited by Labcorp Genetics (formerly Invitae), Labcorp); PubMed 9536098 (cited by Labcorp Genetics (formerly Invitae), Labcorp); PubMed 36362125 (cited by Labcorp Genetics (formerly Invitae), Labcorp); PubMed 22135276 (cited by Labcorp Genetics (formerly Invitae), Labcorp); PubMed 28041643 (cited by Labcorp Genetics (formerly Invitae), Labcorp); PubMed 29142287 (cited by Labcorp Genetics (formerly Invitae), Labcorp).